The following is an entry in ClinVar:

NM_004655.4(AXIN2):c.136A>C (p.Thr46Pro)

Gene: AXIN2 (axin 2; minus strand). Cytogenetic location: 17q24.1.
Variant type: single nucleotide variant.
Coding change: c.136A>C on transcript NM_004655.4 (MANE Select); coding-DNA position 136, A replaced by C.
Protein change: p.Thr46Pro; replaces threonine 46 with proline.
Molecular consequence: missense variant.
Genome position (GRCh38, 1-based): chr17:65,558,485, T>G on the plus strand (A>C on the coding strand, the complement: AXIN2 is on the minus strand). VCF-style: chr17-65558485-T-G. GRCh37 (hg19) VCF-style: chr17-63554603-T-G.
Other names: c.136A>C, p.Thr46Pro (NM_001363813.1); short protein forms T46P.
Identifiers: ClinVar variation 1357037 (VCV001357037.10), dbSNP rs1555583721, ClinGen allele CA400682075.

ClinVar aggregate classification (germline): Uncertain significance. Review status: criteria provided, multiple submitters, no conflicts (2 of 4 stars). 2 submissions from 2 submitters: Uncertain significance (2). Last evaluated 2021-05-28.

Conditions:
Hereditary cancer-predisposing syndrome. Also called: Tumor predisposition; Hereditary neoplastic syndrome; Neoplastic Syndromes, Hereditary; Hereditary Cancer Syndrome. Identifiers: Orphanet 140162, MedGen C0027672, MeSH D009386, MONDO:0015356.
Oligodontia-cancer predisposition syndrome. Also called: TOOTH AGENESIS-COLORECTAL CANCER SYNDROME. Identifiers: Orphanet 300576, MedGen C1837750, MONDO:0012075, OMIM 608615. Disease mechanism: loss of function.

Submissions (2):

Labcorp Genetics (formerly Invitae), Labcorp
Classification: Uncertain significance for Oligodontia-cancer predisposition syndrome. Last evaluated: 2021-05-28. Review status: criteria provided, single submitter. Criteria: Invitae Variant Classification Sherloc (09022015). Collection method: clinical testing. Allele origin: germline.
Comment: In summary, the available evidence is currently insufficient to determine the role of this variant in disease. Therefore, it has been classified as a Variant of Uncertain Significance. Algorithms developed to predict the effect of missense changes on protein structure and function (SIFT, PolyPhen-2, Align-GVGD) all suggest that this variant is likely to be tolerated, but these predictions have not been confirmed by published functional studies and their clinical significance is uncertain. This variant has not been reported in the literature in individuals with AXIN2-related conditions. This variant is not present in population databases (ExAC no frequency). This sequence change replaces threonine with proline at codon 46 of the AXIN2 protein (p.Thr46Pro). The threonine residue is weakly conserved and there is a small physicochemical difference between threonine and proline.

Ambry Genetics
Classification: Uncertain significance for Hereditary cancer-predisposing syndrome. Last evaluated: 2020-02-13. Review status: criteria provided, single submitter. Criteria: Ambry Variant Classification Scheme 2023. Collection method: clinical testing. Allele origin: germline.
Comment: The p.T46P variant (also known as c.136A>C), located in coding exon 1 of the AXIN2 gene, results from an A to C substitution at nucleotide position 136. The threonine at codon 46 is replaced by proline, an amino acid with highly similar properties. This amino acid position is not well conserved in available vertebrate species. In addition, this alteration is predicted to be tolerated by in silico analysis. Since supporting evidence is limited at this time, the clinical significance of this alteration remains unclear.